The following is an entry in ClinVar:

ClinVar aggregate classification (germline): Uncertain significance. Review status: criteria provided, multiple submitters, no conflicts (2 of 4 stars). 2 submissions from 2 submitters: Uncertain significance (2). Last evaluated 2024-10-23.

Allele frequency attached by ClinVar (database versions not stated): ExAC 0.00002; gnomAD 0.00002; gnomAD exomes 0.00002 and 0.00008; TOPMed 0.00002.

Submissions (2):

Labcorp Genetics (formerly Invitae), Labcorp
Classification: Uncertain significance. Last evaluated: 2024-10-23. Review status: criteria provided, single submitter. Criteria: Invitae Variant Classification Sherloc (09022015). Collection method: clinical testing. Allele origin: germline.
Comment: This sequence change replaces glycine, which is neutral and non-polar, with arginine, which is basic and polar, at codon 173 of the ROM1 protein (p.Gly173Arg). This variant is present in population databases (rs767181163, gnomAD 0.005%). This variant has not been reported in the literature in individuals affected with ROM1-related conditions. ClinVar contains an entry for this variant (Variation ID: 1005399). Invitae Evidence Modeling of protein sequence and biophysical properties (such as structural, functional, and spatial information, amino acid conservation, physicochemical variation, residue mobility, and thermodynamic stability) indicates that this missense variant is not expected to disrupt ROM1 protein function with a negative predictive value of 80%. Algorithms developed to predict the effect of sequence changes on RNA splicing suggest that this variant may disrupt the consensus splice site. In summary, the available evidence is currently insufficient to determine the role of this variant in disease. Therefore, it has been classified as a Variant of Uncertain Significance.

Blueprint Genetics
Classification: Uncertain significance. Last evaluated: 2024-09-08. Review status: criteria provided, single submitter. Criteria: ACMG Guidelines, 2015. Collection method: clinical testing. Allele origin: germline.

NM_000327.4(ROM1):c.517G>A (p.Gly173Arg)

Gene: ROM1 (retinal outer segment membrane protein 1; plus strand). Cytogenetic location: 11q12.3.
Variant type: single nucleotide variant.
Coding change: c.517G>A on transcript NM_000327.4 (MANE Select); coding-DNA position 517, G replaced by A.
Protein change: p.Gly173Arg; replaces glycine 173 with arginine.
Molecular consequence: missense variant.
Genome position (GRCh38, 1-based): chr11:62,613,798, G>A. VCF-style: chr11-62613798-G-A. GRCh37 (hg19) VCF-style: chr11-62381270-G-A.
Other names: short protein forms G173R.
Identifiers: ClinVar variation 1005399 (VCV001005399.9), dbSNP rs767181163, ClinGen allele CA6049753.